The following is an entry in ClinVar:

ClinVar aggregate classification (germline): Conflicting classifications of pathogenicity. Review status: criteria provided, conflicting classifications (1 of 4 stars). 3 submissions from 3 submitters: Likely pathogenic (1); Uncertain significance (2). Last evaluated 2025-07-24.

Conditions:
Nephrolithiasis/nephrocalcinosis. Identifiers: MedGen CN580796.
Neonatal severe primary hyperparathyroidism. Identifiers: Orphanet 417, MedGen C1832615, MONDO:0009397, OMIM 239200.
Autosomal dominant hypocalcemia 1 (HYPOC1). Also called: HYPOCALCEMIA, FAMILIAL. Identifiers: MedGen C3715128, MONDO:0011013, OMIM 601198.
Bartter syndrome with hypocalcemia. Also called: Hypocalcemia, autosomal dominant 1, with bartter syndrome. Identifiers: MedGen C4552089, MONDO:0016983.
Familial hypocalciuric hypercalcemia (FHH). Also called: Familial benign hypercalcemia. Identifiers: Orphanet 405, MedGen C1809471, MONDO:0018458.

Submissions (3):

Women's Health and Genetics/Laboratory Corporation of America, LabCorp
Classification: Uncertain significance. Last evaluated: 2025-07-24. Review status: criteria provided, single submitter. Criteria: LabCorp Variant Classification Summary - May 2015. Collection method: clinical testing. Allele origin: germline.
Comment: Variant summary: CASR c.494T>G (p.Val165Gly) results in a non-conservative amino acid change located in the Receptor, ligand binding region of the encoded protein sequence. Algorithms developed to predict the effect of missense changes on protein structure and function all suggest that this variant is likely to be disruptive. Consensus agreement among computation tools predict no significant impact on normal splicing. However, these predictions have yet to be confirmed by functional studies. The variant was absent in 251094 control chromosomes. c.494T>G has been observed in individual(s) affected with clinical features of familial hypocalciuric hypercalcemia and/or hyperparathyroidism (internal data). These data indicate that the variant may be associated with disease. To our knowledge, no experimental evidence demonstrating an impact on protein function has been reported. ClinVar contains an entry for this variant (Variation ID: 566469). Based on the evidence outlined above, the variant was classified as VUS-possibly pathogenic.

Labcorp Genetics (formerly Invitae), Labcorp
Classification: Likely pathogenic for Familial hypocalciuric hypercalcemia; Autosomal dominant hypocalcemia 1. Last evaluated: 2025-03-17. Review status: criteria provided, single submitter. Criteria: Invitae Variant Classification Sherloc (09022015). Collection method: clinical testing. Allele origin: germline.
Comment: This sequence change replaces valine, which is neutral and non-polar, with glycine, which is neutral and non-polar, at codon 165 of the CASR protein (p.Val165Gly). This variant is not present in population databases (gnomAD no frequency). This missense change has been observed in individual(s) with clinical features of familial hypocalciuric hypercalcemia and/or hyperparathyroidism (internal data). Invitae Evidence Modeling of clinical and family history, age, sex, and reported ancestry of multiple individuals with this CASR variant has been performed. This variant is expected to be pathogenic with a positive predictive value of at least 99%. This is a validated machine learning model that incorporates the clinical features of 606,512 individuals referred to our laboratory for CASR testing. ClinVar contains an entry for this variant (Variation ID: 566469). An algorithm developed to predict the effect of missense changes on protein structure and function (PolyPhen-2) suggests that this variant is likely to be disruptive. In summary, the currently available evidence indicates that the variant is pathogenic, but additional data are needed to prove that conclusively. Therefore, this variant has been classified as Likely Pathogenic.

Ambry Genetics
Classification: Uncertain significance for Nephrolithiasis/nephrocalcinosis. Last evaluated: 2021-09-02. Review status: criteria provided, single submitter. Criteria: Ambry Variant Classification Scheme 2023. Collection method: clinical testing. Allele origin: germline.
Comment: The p.V165G variant (also known as c.494T>G), located in coding exon 3 of the CASR gene, results from a T to G substitution at nucleotide position 494. The valine at codon 165 is replaced by glycine, an amino acid with dissimilar properties. This amino acid position is conserved. In addition, this alteration is predicted to be deleterious by in silico analysis. Since supporting evidence is limited at this time, the clinical significance of this alteration remains unclear.

NM_000388.4(CASR):c.494T>G (p.Val165Gly)

Gene: CASR (calcium sensing receptor; plus strand). Cytogenetic location: 3q21.1.
Variant type: single nucleotide variant.
Coding change: c.494T>G on transcript NM_000388.4 (MANE Select); coding-DNA position 494, T replaced by G.
Protein change: p.Val165Gly; replaces valine 165 with glycine.
Molecular consequence: missense variant.
Genome position (GRCh38, 1-based): chr3:122,261,529, T>G. VCF-style: chr3-122261529-T-G. GRCh37 (hg19) VCF-style: chr3-121980376-T-G.
Other names: c.494T>G, p.Val165Gly (NM_001178065.2); short protein forms V165G.
Identifiers: ClinVar variation 566469 (VCV000566469.17), dbSNP rs1559958757, ClinGen allele CA354150710.